The following is an entry in ClinVar:

NM_000057.4(BLM):c.311C>A (p.Ser104Ter)

Gene: BLM (BLM RecQ like helicase; plus strand). Cytogenetic location: 15q26.1.
Variant type: single nucleotide variant.
Coding change: c.311C>A on transcript NM_000057.4 (MANE Select); coding-DNA position 311, C replaced by A.
Protein change: p.Ser104Ter; replaces serine 104 with a stop codon.
Molecular consequence: nonsense. On other transcripts: 5 prime UTR variant (1).
Genome position (GRCh38, 1-based): chr15:90,749,579, C>A. VCF-style: chr15-90749579-C-A. GRCh37 (hg19) VCF-style: chr15-91292809-C-A.
Other names: c.311C>A (LRG_20t1); c.311C>A, p.Ser104Ter (NM_001287246.2, NM_001287247.2); c.-981C>A (NM_001287248.2); short protein forms S104*.
Identifiers: ClinVar variation 1683330 (VCV001683330.3), dbSNP rs367543030, ClinGen allele CA344519.
Genomic context (GRCh38, chr15:90,749,579, plus strand): 5'-AAAGGGTCAAGGACTTCTTTAAAAATGCTCCAGCAGGACAGGAAACACAGAGAGGTGGAT[C>A]AAAATCATTATTGCCAGATTTCTTGCAGACTCCGAAGGAAGTTGTATGCACTACCCAAAA-3'

ClinVar aggregate classification (germline): Pathogenic. Review status: criteria provided, multiple submitters, no conflicts (2 of 4 stars). 3 submissions from 3 submitters: Pathogenic (3). Last evaluated 2025-03-14.

Conditions:
Bloom syndrome (BLM). Also called: Bloom-Torre-Machacek syndrome. Identifiers: Orphanet 125, MedGen C0005859, MONDO:0008876, OMIM 210900.

Submissions (3):

Labcorp Genetics (formerly Invitae), Labcorp
Classification: Pathogenic for Bloom syndrome. Last evaluated: 2025-03-14. Review status: criteria provided, single submitter. Criteria: Invitae Variant Classification Sherloc (09022015). Collection method: clinical testing. Allele origin: germline.
Comment: This sequence change creates a premature translational stop signal (p.Ser104*) in the BLM gene. It is expected to result in an absent or disrupted protein product. Loss-of-function variants in BLM are known to be pathogenic (PMID: 17407155). This variant is not present in population databases (gnomAD no frequency). This premature translational stop signal has been observed in individual(s) with Bloom syndrome (PMID: 17407155). ClinVar contains an entry for this variant (Variation ID: 1683330). For these reasons, this variant has been classified as Pathogenic.

Baylor Genetics
Classification: Pathogenic for Bloom syndrome. Last evaluated: 2023-12-26. Review status: criteria provided, single submitter. Criteria: ACMG Guidelines, 2015. Collection method: clinical testing. Allele origin: unknown.

Women's Health and Genetics/Laboratory Corporation of America, LabCorp
Classification: Pathogenic for Bloom syndrome. Last evaluated: 2022-04-05. Review status: criteria provided, single submitter. Criteria: LabCorp Variant Classification Summary - May 2015. Collection method: clinical testing. Allele origin: germline.
Comment: Variant summary: BLM c.311C>A (p.Ser104X) results in a premature termination codon, predicted to cause a truncation of the encoded protein or absence of the protein due to nonsense mediated decay, which are commonly known mechanisms for disease. Truncations downstream of this position have been classified as pathogenic by our laboratory. The variant was absent in 251244 control chromosomes. c.311C>A has been reported in the literature in an individual affected with Bloom Syndrome in the Bloom Syndrome Registry (example, German_2007). These data do not allow any conclusion about variant significance. No clinical diagnostic laboratories have submitted clinical-significance assessments for this variant to ClinVar after 2014. Based on the evidence outlined above, the variant was classified as pathogenic.

Literature cited by the submitters: PubMed 17407155 (cited by Labcorp Genetics (formerly Invitae), Labcorp and Women's Health and Genetics/Laboratory Corporation of America, LabCorp).